The following is an entry in ClinVar:

ClinVar aggregate classification (germline): Uncertain significance (1 of 4 stars; one submission).

Conditions:
Severe early-onset pulmonary alveolar proteinosis due to MARS deficiency. Also called: PULMONARY ALVEOLAR PROTEINOSIS, REUNION ISLAND; Interstitial lung and liver disease. Identifiers: Orphanet 440427, MedGen C4225400, MONDO:0014206, OMIM 615486.
Charcot-Marie-Tooth disease axonal type 2U. Also called: CHARCOT-MARIE-TOOTH NEUROPATHY, TYPE 2U; CHARCOT-MARIE-TOOTH DISEASE, AXONAL, AUTOSOMAL DOMINANT, TYPE 2U. Identifiers: Orphanet 397735, MedGen C4084821, MONDO:0014566, OMIM 616280.

Allele frequency attached by ClinVar (database versions not stated): gnomAD 0.00001.

Submission:

Labcorp Genetics (formerly Invitae), Labcorp
Classification: Uncertain significance for Charcot-Marie-Tooth disease axonal type 2U; Severe early-onset pulmonary alveolar proteinosis due to MARS deficiency. Last evaluated: 2025-06-12. Review status: criteria provided, single submitter. Criteria: Invitae Variant Classification Sherloc (09022015). Collection method: clinical testing. Allele origin: germline.
Comment: This sequence change creates a premature translational stop signal (p.Asp637Glufs*7) in the MARS gene. It is expected to result in an absent or disrupted protein product. However, the current clinical and genetic evidence is not sufficient to establish whether loss-of-function variants in MARS cause disease. This variant is present in population databases (no rsID available, gnomAD 0.01%). This variant has not been reported in the literature in individuals affected with MARS-related conditions. ClinVar contains an entry for this variant (Variation ID: 1990080). In summary, the available evidence is currently insufficient to determine the role of this variant in disease. Therefore, it has been classified as a Variant of Uncertain Significance.

NM_004990.4(MARS1):c.1910dup (p.Asp637fs)

Gene: MARS1 (methionyl-tRNA synthetase 1; plus strand). Cytogenetic location: 12q13.3.
Variant type: Duplication.
Coding change: c.1910dup on transcript NM_004990.4 (MANE Select); coding-DNA position 1910, one base duplicated (A; older notation c.1910dupA).
Protein change: p.Asp637fs; shifts the reading frame from aspartic acid 637.
Molecular consequence: frameshift variant.
Genome position (GRCh38, 1-based): chr12:57,512,907, A duplicated. VCF-style (leftmost placement, unchanged base first): chr12-57512906-G-GA. GRCh37 (hg19) VCF-style: chr12-57906689-G-GA.
Other names: short protein forms D637fs.
Identifiers: ClinVar variation 1990080 (VCV001990080.4), dbSNP rs1198788537, ClinGen allele CA605705485.
Genomic context (GRCh38, chr12:57,512,906, plus strand): 5'-TGGCGCTTCTATCTGCTGTACATTCGGCCTGAGGGCCAGGACAGTGCTTTCTCCTGGACG[G>GA]ACCTGCTGCTGAAGAATAATTCTGAGCTGCTTAACAACCTGGGCAACTTCATCAACAGGT-3'